The following is an entry in ClinVar:

ClinVar aggregate classification (germline): Benign (1 of 4 stars; one submission).

Allele frequency attached by ClinVar (database versions not stated): gnomAD 0.00041; ESP Exome Variant Server 0.00050; 1000 Genomes Project 0.00060; 1000 Genomes Project 30x 0.00062.
gnomAD v4.1: 671 of 1,612,684 alleles (0.042%); highest among the groups gnomAD compares: Admixed American, 0.14%; no homozygotes.

Submission:

CeGaT Center for Human Genetics Tuebingen
Classification: Benign. Last evaluated: 2022-08-01. Review status: criteria provided, single submitter. Criteria: CeGaT Center For Human Genetics Tuebingen Variant Classification Criteria Version 2. Collection method: clinical testing. Allele origin: germline. Affected: yes. Observed: 1 variant allele.
Comment: AHNAK2: BS1, BS2

NM_138420.4(AHNAK2):c.11089G>C (p.Val3697Leu)

Gene: AHNAK2 (AHNAK nucleoprotein 2; minus strand). Cytogenetic location: 14q32.33.
Variant type: single nucleotide variant.
Coding change: c.11089G>C on transcript NM_138420.4 (MANE Select); coding-DNA position 11089, G replaced by C.
Protein change: p.Val3697Leu; replaces valine 3697 with leucine.
Molecular consequence: missense variant.
Genome position (GRCh38, 1-based): chr14:104,944,362, C>G on the plus strand (G>C on the coding strand, the complement: AHNAK2 is on the minus strand). VCF-style: chr14-104944362-C-G. GRCh37 (hg19) VCF-style: chr14-105410699-C-G.
Other names: c.10789G>C, p.Val3597Leu (NM_001350929.2); short protein forms V3597L, V3697L.
Identifiers: ClinVar variation 2644653 (VCV002644653.24), dbSNP rs200306403, ClinGen allele CA7378842.